The following is an entry in ClinVar:

ClinVar aggregate classification (germline): Conflicting classifications of pathogenicity. Review status: criteria provided, conflicting classifications (1 of 4 stars). 4 submissions from 4 submitters: Likely pathogenic (1); Uncertain significance (2). 1 of the submissions does not count toward it. Last evaluated 2026-02-12.

Conditions:
Unilateral deafness. Identifiers: MedGen C2607947, MONDO:0007426, OMIM 125000, HP:0009900.
Monogenic hearing loss.

Submissions (4):

Genetics Laboratory, Great Ormond Street Hospital NHS Foundation Trust, North Thames Genomic Laboratory Hub
Classification: Likely pathogenic for Monogenic hearing loss. Last evaluated: 2026-02-12. Review status: criteria provided, single submitter. Criteria: ACGS Best Practice Guidelines for Variant Classification in Rare Disease 2024 v1.2. Collection method: clinical testing. Allele origin: germline. Affected: yes.
Comment: PS4_supporting, PM2_moderate, PP3_supporting, PM5_moderate

GeneDx
Classification: Uncertain significance. Last evaluated: 2022-06-10. Review status: criteria provided, single submitter. Criteria: GeneDx Variant Classification Process June 2021. Collection method: clinical testing. Allele origin: germline. Affected: yes.
Comment: Not observed at significant frequency in large population cohorts (gnomAD); In silico analysis supports that this missense variant has a deleterious effect on protein structure/function; Has not been previously published as pathogenic or benign to our knowledge

Blueprint Genetics
Classification: Uncertain significance. Last evaluated: 2017-09-25. Review status: criteria provided, single submitter. Criteria: ACMG Guidelines, 2015. Collection method: clinical testing. Allele origin: germline.

Genetic Diagnosis Center, The First Hospital of Jilin University
Classification: Likely pathogenic for Unilateral deafness. Review status: no assertion criteria provided. Collection method: clinical testing. Allele origin: germline. Inheritance: Autosomal dominant inheritance. Affected: yes. Not counted in ClinVar's aggregate classification.

NM_005982.4(SIX1):c.533G>C (p.Arg178Thr)

Genes: MIR9718 (microRNA 9718; plus strand), SIX1 (SIX homeobox 1; minus strand). Cytogenetic location: 14q23.1.
Variant type: single nucleotide variant.
Coding change: c.533G>C on transcript NM_005982.4 (MANE Select); coding-DNA position 533, G replaced by C.
Protein change: p.Arg178Thr; replaces arginine 178 with threonine.
Molecular consequence: missense variant. On other transcripts: non-coding transcript variant (1).
Genome position (GRCh38, 1-based): chr14:60,648,657, C>G on the plus strand (G>C on the coding strand, the complement: SIX1 is on the minus strand). VCF-style: chr14-60648657-C-G. GRCh37 (hg19) VCF-style: chr14-61115375-C-G.
Other names: short protein forms R178T.
Identifiers: ClinVar variation 1691650 (VCV001691650.6), dbSNP rs1236315675, ClinGen allele CA389910107.